The following is an entry in ClinVar:

NM_005228.5(EGFR):c.2470-16G>A

Gene: EGFR (epidermal growth factor receptor; plus strand). Cytogenetic location: 7p11.2.
Variant type: single nucleotide variant.
Coding change: c.2470-16G>A on transcript NM_005228.5 (MANE Select); 16 bases into the intron before coding-DNA position 2470, G replaced by A.
Molecular consequence: intron variant.
Genome position (GRCh38, 1-based): chr7:55,191,703, G>A. VCF-style: chr7-55191703-G-A. GRCh37 (hg19) VCF-style: chr7-55259396-G-A.
Other names: c.2335-16G>A (NM_001346899.2, NM_001346897.2); c.1669-16G>A (NM_001346941.2); c.2470-16G>A (NM_001346898.2); c.2311-16G>A (NM_001346900.2).
Identifiers: ClinVar variation 3773461 (VCV003773461.1).

ClinVar aggregate classification (germline): Likely benign (1 of 4 stars; one submission).

Conditions:
Lung cancer. Also called: Lung cancer, somatic; Malignant tumor of lung. Identifiers: MedGen C0242379, MONDO:0008903, OMIM 211980.

Submission:

Myriad Genetics, Inc.
Classification: Likely benign for Lung cancer. Last evaluated: 2024-10-16. Review status: criteria provided, single submitter. Criteria: Myriad Autosomal Dominant, Autosomal Recessive and X-Linked Classification Criteria (2023). Collection method: clinical testing. Allele origin: unknown.
Comment: This variant is considered likely benign. This variant is intronic and is not expected to impact mRNA splicing.